The following is an entry in ClinVar:

ClinVar aggregate classification (germline): Uncertain significance. Review status: criteria provided, multiple submitters, no conflicts (2 of 4 stars). 2 submissions from 2 submitters: Uncertain significance (2). Last evaluated 2025-06-13.

Conditions:
Cardiovascular phenotype. Identifiers: MedGen CN230736.
Hereditary cancer-predisposing syndrome. Also called: Neoplastic Syndromes, Hereditary; Tumor predisposition; Hereditary Cancer Syndrome; Hereditary neoplastic syndrome. Identifiers: Orphanet 140162, MedGen C0027672, MeSH D009386, MONDO:0015356.

Allele frequency attached by ClinVar (database versions not stated): ExAC 0.00001; ESP Exome Variant Server 0.00008.

Submissions (2):

Ambry Genetics
Classification: Uncertain significance for Cardiovascular phenotype; Hereditary cancer-predisposing syndrome. Last evaluated: 2025-06-13. Review status: criteria provided, single submitter. Criteria: Ambry Variant Classification Scheme 2023. Collection method: clinical testing. Allele origin: germline.
Comment: The p.R588P variant (also known as c.1763G>C), located in coding exon 15 of the LZTR1 gene, results from a G to C substitution at nucleotide position 1763. The arginine at codon 588 is replaced by proline, an amino acid with dissimilar properties. This amino acid position is not well conserved in available vertebrate species. In addition, the in silico prediction for this alteration is inconclusive. Based on the available evidence, the clinical significance of this variant remains unclear.

GeneDx
Classification: Uncertain significance. Last evaluated: 2024-08-08. Review status: criteria provided, single submitter. Criteria: GeneDx Variant Classification Process June 2021. Collection method: clinical testing. Allele origin: germline. Affected: yes.
Comment: Not observed at significant frequency in large population cohorts (gnomAD); In silico analysis indicates that this missense variant does not alter protein structure/function; Has not been previously published as pathogenic or benign to our knowledge

NM_006767.4(LZTR1):c.1763G>C (p.Arg588Pro)

Gene: LZTR1 (leucine zipper like post translational regulator 1; plus strand). Cytogenetic location: 22q11.21.
Variant type: single nucleotide variant.
Coding change: c.1763G>C on transcript NM_006767.4 (MANE Select); coding-DNA position 1763, G replaced by C.
Protein change: p.Arg588Pro; replaces arginine 588 with proline.
Molecular consequence: missense variant.
Genome position (GRCh38, 1-based): chr22:20,994,705, G>C. VCF-style: chr22-20994705-G-C. GRCh37 (hg19) VCF-style: chr22-21348994-G-C.
Other names: short protein forms R588P.
Identifiers: ClinVar variation 1779626 (VCV001779626.4), dbSNP rs374677947, ClinGen allele CA10119048.